The following is an entry in ClinVar:

NM_000092.5(COL4A4):c.1966del (p.Asp656fs)

Gene: COL4A4 (collagen type IV alpha 4 chain; minus strand). Cytogenetic location: 2q36.3.
Variant type: Deletion.
Coding change: c.1966del on transcript NM_000092.5 (MANE Select); coding-DNA position 1966, one base deleted (G; older notation c.1966delG).
Protein change: p.Asp656fs; shifts the reading frame from aspartic acid 656.
Molecular consequence: frameshift variant.
Genome position (GRCh38, 1-based): chr2:227,077,915, C deleted on the plus strand (G on the coding strand, the reverse complement: COL4A4 is on the minus strand). VCF-style (leftmost placement, unchanged base first): chr2-227077914-TC-T. GRCh37 (hg19) VCF-style: chr2-227942630-TC-T.
Other names: short protein forms D656fs.
Identifiers: ClinVar variation 1451390 (VCV001451390.6), dbSNP rs2150475193, ClinGen allele CA2573135369.

ClinVar aggregate classification (germline): Pathogenic (1 of 4 stars; one submission).

Submission:

Labcorp Genetics (formerly Invitae), Labcorp
Classification: Pathogenic. Last evaluated: 2021-05-07. Review status: criteria provided, single submitter. Criteria: Invitae Variant Classification Sherloc (09022015). Collection method: clinical testing. Allele origin: germline.
Comment: This sequence change creates a premature translational stop signal (p.Asp656Metfs*3) in the COL4A4 gene. It is expected to result in an absent or disrupted protein product. Loss-of-function variants in COL4A4 are known to be pathogenic (PMID: 21196518, 24854265, 25307543). This variant is not present in population databases (ExAC no frequency). This variant has not been reported in the literature in individuals with COL4A4-related conditions. For these reasons, this variant has been classified as Pathogenic.

Literature cited by the submitters: PubMed 21196518; PubMed 24854265; PubMed 25307543.